The following is an entry in ClinVar:

NM_024079.5(ALG8):c.899-7T>C

Gene: ALG8 (ALG8 alpha-1,3-glucosyltransferase; minus strand). Cytogenetic location: 11q14.1.
Variant type: single nucleotide variant.
Coding change: c.899-7T>C on transcript NM_024079.5 (MANE Select); 7 bases into the intron before coding-DNA position 899, T replaced by C.
Molecular consequence: intron variant.
Genome position (GRCh38, 1-based): chr11:78,109,588, A>G on the plus strand (T>C on the coding strand, the complement: ALG8 is on the minus strand). VCF-style: chr11-78109588-A-G. GRCh37 (hg19) VCF-style: chr11-77820634-A-G.
Other names: c.635-7T>C (NM_001425234.1, NM_001425239.1); c.698-7T>C (NM_001425231.1); c.746-2676T>C (NM_001425235.1); c.746-7T>C (NM_001425226.1, NM_001425236.1); c.884-7T>C (NM_001425220.1); c.383-7T>C (NM_001425241.1); c.547-2642T>C (NM_001425240.1); c.344-7T>C (NM_001425242.1); and 9 more.
Identifiers: ClinVar variation 4803509 (VCV004803509.1).

ClinVar aggregate classification (germline): Uncertain significance (1 of 4 stars; one submission).

Conditions:
ALG8 congenital disorder of glycosylation. Also called: CONGENITAL DISORDER OF GLYCOSYLATION, TYPE Ih; CDG Ih; ALG8-CDG. Identifiers: Orphanet 79325, MedGen C2931002, MONDO:0011969, OMIM 608104.

Submission:

Labcorp Genetics (formerly Invitae), Labcorp
Classification: Uncertain significance for ALG8 congenital disorder of glycosylation. Last evaluated: 2025-03-18. Review status: criteria provided, single submitter. Criteria: Invitae Variant Classification Sherloc (09022015). Collection method: clinical testing. Allele origin: germline.
Comment: This sequence change falls in intron 8 of the ALG8 gene. It does not directly change the encoded amino acid sequence of the ALG8 protein. This variant is not present in population databases (gnomAD no frequency). This variant has not been reported in the literature in individuals affected with ALG8-related conditions. Algorithms developed to predict the effect of sequence changes on RNA splicing suggest that this variant may disrupt the consensus splice site. In summary, the available evidence is currently insufficient to determine the role of this variant in disease. Therefore, it has been classified as a Variant of Uncertain Significance.